The following is an entry in ClinVar:

ClinVar aggregate classification (germline): Pathogenic (1 of 4 stars; one submission).

Conditions:
McKusick-Kaufman syndrome (MKKS). Also called: HYDROMETROCOLPOS SYNDROME; HYDROMETROCOLPOS, POSTAXIAL POLYDACTYLY, AND CONGENITAL HEART MALFORMATION. Identifiers: Orphanet 2473, MedGen C0948368, MONDO:0009367, OMIM 236700.
Bardet-Biedl syndrome (BBS). Identifiers: Orphanet 110, MedGen C0752166, MONDO:0015229.

Submission:

Labcorp Genetics (formerly Invitae), Labcorp
Classification: Pathogenic for McKusick-Kaufman syndrome; Bardet-Biedl syndrome. Last evaluated: 2021-10-14. Review status: criteria provided, single submitter. Criteria: Invitae Variant Classification Sherloc (09022015). Collection method: clinical testing. Allele origin: germline.
Comment: This sequence change creates a premature translational stop signal (p.Ser431Cysfs*2) in the MKKS gene. While this is not anticipated to result in nonsense mediated decay, it is expected to disrupt the last 140 amino acid(s) of the MKKS protein. This variant is not present in population databases (ExAC no frequency). This variant has not been reported in the literature in individuals affected with MKKS-related conditions. This variant disrupts a region of the MKKS protein in which other variant(s) (p.Val457Glufs*8) have been determined to be pathogenic (PMID: 15770229, 20177705, 30614526). This suggests that this is a clinically significant region of the protein, and that variants that disrupt it are likely to be disease-causing. For these reasons, this variant has been classified as Pathogenic.

Literature cited by the submitters: PubMed 15770229; PubMed 20177705; PubMed 30614526.

NM_170784.3(MKKS):c.1291_1337del (p.Ser431fs)

Gene: MKKS (MKKS centrosomal shuttling protein; minus strand). Cytogenetic location: 20p12.2.
Variant type: Deletion.
Coding change: c.1291_1337del on transcript NM_170784.3 (MANE Select); coding-DNA positions 1291 to 1337, 47 bases deleted.
Protein change: p.Ser431fs; shifts the reading frame from serine 431.
Molecular consequence: frameshift variant. On other transcripts: non-coding transcript variant (1).
Genome position (GRCh38, 1-based): chr20:10,405,623-10,405,669, 47 bases deleted. GRCh37 (hg19): chr20:10,386,271-10,386,317.
Other names: c.1291_1337del, p.Ser431fs (NM_018848.3); short protein forms S431fs.
Identifiers: ClinVar variation 1439776 (VCV001439776.6), dbSNP rs2122220131, ClinGen allele CA2573156827.